The following is an entry in ClinVar:

ClinVar aggregate classification (germline): Likely benign. Review status: reviewed by expert panel (3 of 4 stars). 6 submissions from 5 submitters: Likely benign (1). 5 of the submissions do not count toward it. Last evaluated 2024-07-23.

Conditions:
RPE65-related recessive retinopathy. Also called: Recessive RPE65 retinopathy. Identifiers: MedGen CN305526, MONDO:0100368.
Leber congenital amaurosis 2 (LCA2). Also called: AMAUROSIS CONGENITA OF LEBER II; Autosomal Recessive RPE65-Related Retinal Degeneration. Identifiers: Orphanet 65, MedGen C1859844, MONDO:0008765, OMIM 204100. Disease mechanism: loss of function.
Retinitis pigmentosa 20 (RP20). Identifiers: Orphanet 791, MedGen C3151086, MONDO:0013425, OMIM 613794.
Retinitis pigmentosa (RP). Identifiers: Orphanet 791, MedGen C0035334, MeSH D012174, MONDO:0019200, OMIM 268000. Inheritance: Autosomal dominant, autosomal recessive and X linked inheritance.

Allele frequency attached by ClinVar (database versions not stated): gnomAD exomes 0.00010 and 0.00024; ExAC 0.00031; gnomAD 0.00084 and 0.00086; ESP Exome Variant Server 0.00085; TOPMed 0.00100; 1000 Genomes Project 0.00180; 1000 Genomes Project 30x 0.00203.
gnomAD v4.1: 287 of 1,603,988 alleles (0.018%); highest among the groups gnomAD compares: African/African-American, 0.34%; 1 homozygote.

Submissions (6):

ClinGen Leber Congenital Amaurosis/early Onset Retinal Dystrophy Variant Curation Expert Panel, ClinGen
Classification: Likely benign for RPE65-related recessive retinopathy. Last evaluated: 2024-07-23. Review status: reviewed by expert panel. Criteria: ClinGen LCAeoRD ACMG Specifications RPE65 V1.0.0. Collection method: curation. Allele origin: germline. Inheritance: Autosomal recessive inheritance.
Comment: NM_000329.3(RPE65):c.1129-14A>G is a non-coding variant located in intron 10. This variant is present in gnomAD v.4.1.1 at a GrpMax allele frequency of 0.003418, with 254 alleles / 74804 total alleles in the African / African American population, which is higher than the ClinGen LCA / eoRD VCEP BS1 threshold of >0.0008 (BS1). The splicing impact predictor SpliceAI gives a delta score of 0.01 for acceptor loss and donor loss, which is below the ClinGen LCA / eoRD VCEP recommended threshold of <0.1 and does not predict an impact on splicing (BP4). This intronic variant is located between -1 and -21 relative to exon 11, and so is not considered eligible for BP7. In summary, this variant meets the criteria to be classified as likely benign for RPE65-related recessive retinopathy based on the ACMG/AMP criteria applied, as specified by the ClinGen LCA / eoRD VCEP: BS1 and BP4. (VCEP specifications version 1.0.0; date of approval 09/21/2023).

Labcorp Genetics (formerly Invitae), Labcorp
Classification: Benign for Leber congenital amaurosis 2; Retinitis pigmentosa 20. Last evaluated: 2026-01-24. Review status: criteria provided, single submitter. Criteria: Invitae Variant Classification Sherloc (09022015). Collection method: clinical testing. Allele origin: germline. Not counted in ClinVar's aggregate classification.

Blueprint Genetics
Classification: Likely benign. Last evaluated: 2024-07-18. Review status: criteria provided, single submitter. Criteria: ACMG Guidelines, 2015. Collection method: clinical testing. Allele origin: germline. Not counted in ClinVar's aggregate classification.

ARUP Laboratories, Molecular Genetics and Genomics, ARUP Laboratories
Classification: Likely benign. Last evaluated: 2019-03-05. Review status: criteria provided, single submitter. Criteria: ARUP Molecular Germline Variant Investigation Process. Collection method: clinical testing. Allele origin: germline. Not counted in ClinVar's aggregate classification.

Illumina Laboratory Services, Illumina
Classification: Uncertain significance for Leber congenital amaurosis 2. Last evaluated: 2018-01-13. Review status: criteria provided, single submitter. Criteria: ICSL Variant Classification Criteria 13 December 2019. Collection method: clinical testing. Allele origin: germline. Not counted in ClinVar's aggregate classification.

Illumina Laboratory Services, Illumina
Classification: Uncertain significance for Retinitis pigmentosa. Last evaluated: 2018-01-13. Review status: criteria provided, single submitter. Criteria: ICSL Variant Classification Criteria 13 December 2019. Collection method: clinical testing. Allele origin: germline. Not counted in ClinVar's aggregate classification.

NM_000329.3(RPE65):c.1129-14A>G

Gene: RPE65 (retinoid isomerohydrolase RPE65; minus strand). Cytogenetic location: 1p31.3.
Variant type: single nucleotide variant.
Coding change: c.1129-14A>G on transcript NM_000329.3 (MANE Select); 14 bases into the intron before coding-DNA position 1129, A replaced by G.
Molecular consequence: intron variant.
Genome position (GRCh38, 1-based): chr1:68,431,599, T>C on the plus strand (A>G on the coding strand, the complement: RPE65 is on the minus strand). VCF-style: chr1-68431599-T-C. GRCh37 (hg19) VCF-style: chr1-68897282-T-C.
Identifiers: ClinVar variation 811223 (VCV000811223.21), dbSNP rs113329701, ClinGen allele CA902275.
Genomic context (GRCh38, chr1:68,431,599, plus strand): 5'-GTGGCAGTTGTATTGGGGAGCGTGACTAAATTCTTGCCTGTGTCAGCCTAGGAGAGAAGA[T>C]AACAGAAACCTCAGTGAGCAGGAAAGAATTCAAACAGCCAGAAATGCAGAGTTCTTAAGT-3'